The following is an entry in ClinVar:

NM_001429.4(EP300):c.584C>A (p.Ser195Ter)

Gene: EP300 (EP300 lysine acetyltransferase; plus strand). Cytogenetic location: 22q13.2.
Variant type: single nucleotide variant.
Coding change: c.584C>A on transcript NM_001429.4 (MANE Select); coding-DNA position 584, C replaced by A.
Protein change: p.Ser195Ter; replaces serine 195 with a stop codon.
Molecular consequence: nonsense.
Genome position (GRCh38, 1-based): chr22:41,117,676, C>A. VCF-style: chr22-41117676-C-A. GRCh37 (hg19) VCF-style: chr22-41513680-C-A.
Other names: c.584C>A, p.Ser195Ter (NM_001362843.2); short protein forms S195*.
Identifiers: ClinVar variation 861851 (VCV000861851.10), dbSNP rs2058829252, ClinGen allele CA411681242.

ClinVar aggregate classification (germline): Pathogenic (1 of 4 stars; one submission).

Conditions:
Rubinstein-Taybi syndrome due to EP300 haploinsufficiency. Also called: RUBINSTEIN-TAYBI SYNDROME 2; EP300-Related Rubinstein-Taybi Syndrome. Identifiers: Orphanet 353284, Orphanet 783, MedGen C3150941, MONDO:0013364, OMIM 613684.

Submission:

Labcorp Genetics (formerly Invitae), Labcorp
Classification: Pathogenic for Rubinstein-Taybi syndrome due to EP300 haploinsufficiency. Last evaluated: 2019-01-14. Review status: criteria provided, single submitter. Criteria: Invitae Variant Classification Sherloc (09022015). Collection method: clinical testing. Allele origin: germline.
Comment: For these reasons, this variant has been classified as Pathogenic. Loss-of-function variants in EP300 are known to be pathogenic (PMID: 15706485, 24476420). This variant has not been reported in the literature in individuals with EP300-related conditions. This variant is not present in population databases (ExAC no frequency). This sequence change creates a premature translational stop signal (p.Ser195*) in the EP300 gene. It is expected to result in an absent or disrupted protein product.

Literature cited by the submitters: PubMed 15706485; PubMed 24476420.